The following is an entry in ClinVar:

NM_020937.4(FANCM):c.2851G>C (p.Asp951His)

Gene: FANCM (FA complementation group M; plus strand). Cytogenetic location: 14q21.2.
Variant type: single nucleotide variant.
Coding change: c.2851G>C on transcript NM_020937.4 (MANE Select); coding-DNA position 2851, G replaced by C.
Protein change: p.Asp951His; replaces aspartic acid 951 with histidine.
Molecular consequence: missense variant.
Genome position (GRCh38, 1-based): chr14:45,175,605, G>C. VCF-style: chr14-45175605-G-C. GRCh37 (hg19) VCF-style: chr14-45644808-G-C.
Other names: c.2773G>C, p.Asp925His (NM_001308133.2); short protein forms D925H, D951H.
Identifiers: ClinVar variation 1314911 (VCV001314911.2), dbSNP rs2139244319, ClinGen allele CA389599316.

ClinVar aggregate classification (germline): Uncertain significance (1 of 4 stars; one submission).

Submission:

GeneDx
Classification: Uncertain significance. Last evaluated: 2021-04-26. Review status: criteria provided, single submitter. Criteria: GeneDx Variant Classification Process June 2021. Collection method: clinical testing. Allele origin: germline. Affected: yes.
Comment: Not observed in large population cohorts (Lek et al., 2016); In silico analysis supports that this missense variant has a deleterious effect on protein structure/function; Has not been previously published as pathogenic or benign to our knowledge